The following is an entry in ClinVar:

NM_000391.4(TPP1):c.10C>T (p.Gln4Ter)

Gene: TPP1 (tripeptidyl peptidase 1; minus strand). Cytogenetic location: 11p15.4.
Variant type: single nucleotide variant.
Coding change: c.10C>T on transcript NM_000391.4 (MANE Select); coding-DNA position 10, C replaced by T.
Protein change: p.Gln4Ter; replaces glutamine 4 with a stop codon.
Molecular consequence: nonsense.
Genome position (GRCh38, 1-based): chr11:6,619,391, G>A on the plus strand (C>T on the coding strand, the complement: TPP1 is on the minus strand). VCF-style: chr11-6619391-G-A. GRCh37 (hg19) VCF-style: chr11-6640622-G-A.
Other names: short protein forms Q4*.
Identifiers: ClinVar variation 4734637 (VCV004734637.1).

ClinVar aggregate classification (germline): Pathogenic (1 of 4 stars; one submission).

Submission:

Labcorp Genetics (formerly Invitae), Labcorp
Classification: Pathogenic. Last evaluated: 2026-01-09. Review status: criteria provided, single submitter. Criteria: Invitae Variant Classification Sherloc (09022015). Collection method: clinical testing. Allele origin: germline.
Comment: This sequence change creates a premature translational stop signal (p.Gln4*) in the TPP1 gene. It is expected to result in an absent or disrupted protein product. Loss-of-function variants in TPP1 are known to be pathogenic (PMID: 10330339). This variant is not present in population databases (gnomAD no frequency). This variant has not been reported in the literature in individuals affected with TPP1-related conditions. For these reasons, this variant has been classified as Pathogenic.

Literature cited by the submitters: PubMed 10330339.